The following is an entry in ClinVar:

NM_015386.3(COG4):c.1798G>A (p.Val600Met)

Gene: COG4 (component of oligomeric golgi complex 4; minus strand). Cytogenetic location: 16q22.1.
Variant type: single nucleotide variant.
Coding change: c.1798G>A on transcript NM_015386.3 (MANE Select); coding-DNA position 1798, G replaced by A.
Protein change: p.Val600Met; replaces valine 600 with methionine.
Molecular consequence: missense variant. On other transcripts: non-coding transcript variant (1).
Genome position (GRCh38, 1-based): chr16:70,483,882, C>T on the plus strand (G>A on the coding strand, the complement: COG4 is on the minus strand). VCF-style: chr16-70483882-C-T. GRCh37 (hg19) VCF-style: chr16-70517785-C-T.
Other names: c.1723G>A, p.Val575Met (NM_001195139.2); c.1372G>A, p.Val458Met (NM_001365426.1); short protein forms V575M, V458M, V600M.
Identifiers: ClinVar variation 665763 (VCV000665763.9), dbSNP rs767599010, ClinGen allele CA8144195.

ClinVar aggregate classification (germline): Uncertain significance. Review status: criteria provided, multiple submitters, no conflicts (2 of 4 stars). 2 submissions from 2 submitters: Uncertain significance (2). Last evaluated 2024-08-31.

Conditions:
Inborn genetic diseases. Identifiers: MedGen C0950123, MeSH D030342.
COG4-congenital disorder of glycosylation. Also called: CONGENITAL DISORDER OF GLYCOSYLATION, TYPE IIj; CDG IIj; COG4-CDG. Identifiers: Orphanet 263501, MedGen C4303552, MONDO:0013281, OMIM 613489.

Allele frequency attached by ClinVar (database versions not stated): gnomAD 0.00001 and 0.00003; TOPMed 0.00001; ExAC 0.00002; gnomAD exomes 0.00004.
gnomAD v4.1: 61 of 1,613,410 alleles (0.0038%); highest among the groups gnomAD compares: Middle Eastern, 0.016%; 1 homozygote.

Submissions (2):

Labcorp Genetics (formerly Invitae), Labcorp
Classification: Uncertain significance for COG4-congenital disorder of glycosylation. Last evaluated: 2024-08-31. Review status: criteria provided, single submitter. Criteria: Invitae Variant Classification Sherloc (09022015). Collection method: clinical testing. Allele origin: germline.
Comment: This sequence change replaces valine, which is neutral and non-polar, with methionine, which is neutral and non-polar, at codon 600 of the COG4 protein (p.Val600Met). This variant is present in population databases (rs767599010, gnomAD 0.006%). This variant has not been reported in the literature in individuals affected with COG4-related conditions. ClinVar contains an entry for this variant (Variation ID: 665763). Invitae Evidence Modeling of protein sequence and biophysical properties (such as structural, functional, and spatial information, amino acid conservation, physicochemical variation, residue mobility, and thermodynamic stability) indicates that this missense variant is not expected to disrupt COG4 protein function with a negative predictive value of 80%. In summary, the available evidence is currently insufficient to determine the role of this variant in disease. Therefore, it has been classified as a Variant of Uncertain Significance.

Ambry Genetics
Classification: Uncertain significance for Inborn genetic diseases. Last evaluated: 2024-01-16. Review status: criteria provided, single submitter. Criteria: Ambry Variant Classification Scheme 2023. Collection method: clinical testing. Allele origin: germline.